The following is an entry in ClinVar:

NM_001170535.3(ATAD3A):c.980G>T (p.Arg327Leu)

Gene: ATAD3A (ATPase family AAA domain containing 3A; plus strand). Cytogenetic location: 1p36.33.
Variant type: single nucleotide variant.
Coding change: c.980G>T on transcript NM_001170535.3 (MANE Select); coding-DNA position 980, G replaced by T.
Protein change: p.Arg327Leu; replaces arginine 327 with leucine.
Molecular consequence: missense variant.
Genome position (GRCh38, 1-based): chr1:1,523,855, G>T. VCF-style: chr1-1523855-G-T. GRCh37 (hg19) VCF-style: chr1-1459235-G-T.
Other names: c.743G>T, p.Arg248Leu (NM_001170536.3); c.1124G>T, p.Arg375Leu (NM_018188.5); c.1124G>T (NM_018188.3); short protein forms R248L, R327L, R375L.
Identifiers: ClinVar variation 1202319 (VCV001202319.4), dbSNP rs200238845, ClinGen allele CA526135.

ClinVar aggregate classification (germline): Uncertain significance. Review status: criteria provided, multiple submitters, no conflicts (2 of 4 stars). 2 submissions from 2 submitters: Uncertain significance (2). Last evaluated 2023-10-17.

Conditions:
Inborn genetic diseases. Identifiers: MedGen C0950123, MeSH D030342.

Allele frequency attached by ClinVar (database versions not stated): ESP Exome Variant Server 0.00015.
gnomAD v4.1: 178 of 1,613,852 alleles (0.011%); highest among the groups gnomAD compares: Non-Finnish European, 0.015%; no homozygotes.

Submissions (2):

Ambry Genetics
Classification: Uncertain significance for Inborn genetic diseases. Last evaluated: 2023-10-17. Review status: criteria provided, single submitter. Criteria: Ambry Variant Classification Scheme 2023. Collection method: clinical testing. Allele origin: germline.

GeneDx
Classification: Uncertain significance. Last evaluated: 2021-01-22. Review status: criteria provided, single submitter. Criteria: GeneDx Variant Classification Process June 2021. Collection method: clinical testing. Allele origin: germline. Affected: yes.
Comment: Has not been previously published as pathogenic or benign to our knowledge; In silico analysis supports that this missense variant has a deleterious effect on protein structure/function